The following is an entry in ClinVar:

ClinVar aggregate classification (germline): Benign/Likely benign. Review status: criteria provided, multiple submitters, no conflicts (2 of 4 stars). 2 submissions from 2 submitters: Benign (1); Likely benign (1). Last evaluated 2018-06-14.

Allele frequency attached by ClinVar (database versions not stated): TOPMed 0.04043; gnomAD exomes 0.05964; gnomAD 0.04306 and 0.04416; 1000 Genomes Project 30x 0.03186; 1000 Genomes Project 0.03255.

Submissions (2):

GeneDx
Classification: Benign. Last evaluated: 2018-06-14. Review status: criteria provided, single submitter. Criteria: GeneDx Variant Classification (06012015). Collection method: clinical testing. Allele origin: germline. Affected: yes.
Comment: This variant is considered likely benign or benign based on one or more of the following criteria: it is a conservative change, it occurs at a poorly conserved position in the protein, it is predicted to be benign by multiple in silico algorithms, and/or has population frequency not consistent with disease.

Breakthrough Genomics
Classification: Likely benign. Review status: criteria provided, single submitter. Criteria: ACMG Guidelines, 2015. Collection method: not provided. Allele origin: germline. Inheritance: Autosomal recessive inheritance. Affected: yes.

NM_000942.4(PPIB):c.-181G>A

Gene: PPIB (peptidylprolyl isomerase B; minus strand). Cytogenetic location: 15q22.31.
Variant type: single nucleotide variant.
Coding change: c.-181G>A on transcript NM_000942.4; 181 bases upstream of the start codon, G replaced by A.
Genome position (GRCh38, 1-based): chr15:64,163,167, C>T on the plus strand (G>A on the coding strand, the complement: PPIB is on the minus strand). VCF-style: chr15-64163167-C-T. GRCh37 (hg19) VCF-style: chr15-64455366-C-T.
Identifiers: ClinVar variation 369095 (VCV000369095.8), dbSNP rs113066141, ClinGen allele CA10654520.
Genomic context (GRCh38, chr15:64,163,167, plus strand): 5'-GGGCGGGCGGCGGGCGCCGTTTCCCCCCTCCGGCTCGGCGCCGGATAGTAGGTCCCCCTG[C>T]GGGGCGGGCACCGACGCGGGCTCGTGGGTGGTTGCCACGTTATTGCTCCCTCATTGGGCT-3'